The following is an entry in ClinVar:

ClinVar aggregate classification (germline): Likely pathogenic. Review status: reviewed by expert panel (3 of 4 stars). 4 submissions from 4 submitters: Likely pathogenic (1). 3 of the submissions do not count toward it. Last evaluated 2026-03-03.

Conditions:
von Willebrand disease type 2M (VWD2M). Identifiers: Orphanet 166090, MedGen C1282974, MONDO:0015630.

Allele frequency attached by ClinVar (database versions not stated): TOPMed 0.00001; gnomAD exomes 0.00003; ExAC 0.00002; gnomAD 0.00002.
gnomAD v4.1: 39 of 1,613,806 alleles (0.0024%); highest among the groups gnomAD compares: South Asian, 0.0055%; no homozygotes.

Submissions (4):

ClinGen von Willebrand Disease Variant Curation Expert Panel, ClinGen
Classification: Likely pathogenic for von Willebrand disease type 2M. Last evaluated: 2026-03-03. Review status: reviewed by expert panel. Criteria: ClinGen VWD 2A B M Rules. Collection method: curation. Allele origin: germline. Inheritance: Autosomal dominant inheritance.
Comment: The NM_000552.5:c.4000C>T variant in VWF is a missense variant predicted to cause substitution of arginine by tryptophan at amino acid 1334 (p.Arg1334Trp). The Grpmax filtering allele frequency in gnomAD v4.1 is 0.00002104 (based on 5/91072 alleles in the South Asian population), which is lower than the ClinGen VWD VCEP threshold of <0.0001 for type 2A/B/M (PM2_Supporting). The computational predictor REVEL gives a score of 0.754, which is above the ClinGen VWD VCEP threshold of >0.644 and predicts a damaging effect on VWF function (PP3). At least 1 patient with this variant displayed excessive mucocutaneous bleeding as well as laboratory phenotypes of a normal multimer pattern, low VWF:GPIbM/VWF:Ag ratio, and decreased GPIbM binding, which together are highly specific for VWD type 2M (PP4_Moderate, Internal lab contributors). This variant has been reported in 2 additional probands meeting VWD type 2M PP4 laboratory phenotype criteria (PS4_Moderate; PMIDs: 22102198, 36299619). In summary, this variant meets the criteria to be classified as likely pathogenic for autosomal dominant type 2M von Willebrand disease based on the ACMG/AMP criteria applied, as specified by the ClinGen VWD VCEP: PS4_Moderate, PP4_Moderate, PP3, PM2_Supporting (version 1.0.0, 7/9/2024).

Women's Health and Genetics/Laboratory Corporation of America, LabCorp
Classification: Uncertain significance. Last evaluated: 2023-06-20. Review status: criteria provided, single submitter. Criteria: LabCorp Variant Classification Summary - May 2015. Collection method: clinical testing. Allele origin: germline. Not counted in ClinVar's aggregate classification.
Comment: Variant summary: VWF c.4000C>T (p.Arg1334Trp) results in a non-conservative amino acid change located in the von Willebrand factor, type A (IPR002035) of the encoded protein sequence. Five of five in-silico tools predict a damaging effect of the variant on protein function. The variant allele was found at a frequency of 2.8e-05 in 250476 control chromosomes (gnomAD). The available data on variant occurrences in the general population are insufficient to allow any conclusion about variant significance. c.4000C>T has been reported in the literature in individuals affected with Von Willebrand Disease without strong evidence of causality (Sanda_2015, Vangenechten_2022). These reports do not provide unequivocal conclusions about association of the variant with Von Willebrand Disease. To our knowledge, no experimental evidence demonstrating an impact on protein function has been reported. The following publications has been ascertained in the context of this evaluation (PMID: 36299619). One submitter has cited a clinical-significance assessment for this variant to ClinVar after 2014 and classified it as uncertain significance. Based on the evidence outlined above, the variant was classified as uncertain significance.

Quest Diagnostics Nichols Institute San Juan Capistrano
Classification: Uncertain significance. Last evaluated: 2022-09-19. Review status: criteria provided, single submitter. Criteria: Quest Diagnostics criteria. Collection method: clinical testing. Allele origin: unknown. Not counted in ClinVar's aggregate classification.
Comment: The frequency of this variant in the general population, 0.000055 (7/128378 chromosomes), is uninformative in assessment of its pathogenicity. In the published literature, the variant has been reported in a patient suspected to have type 2M VWD in the published literature (PMID: 22102198 (2011)). Analysis of this variant using bioinformatics tools for the prediction of the effect of amino acid changes on protein structure and function yielded predictions that this variant is damaging. Based on the available information, we are unable to determine the clinical significance of this variant.

Mayo Clinic Laboratories, Mayo Clinic
Classification: Uncertain significance. Last evaluated: 2022-09-01. Review status: criteria provided, single submitter. Criteria: ACMG Guidelines, 2015. Collection method: clinical testing. Allele origin: germline. Observed: 1 variant allele. Not counted in ClinVar's aggregate classification.
Comment: PP2, PP3, PM1, PM2

Literature cited by the submitters: PubMed 36299619 (cited by Women's Health and Genetics/Laboratory Corporation of America, LabCorp); PubMed 22102198 (cited by Quest Diagnostics Nichols Institute San Juan Capistrano and Mayo Clinic Laboratories, Mayo Clinic); PubMed 14757772 (cited by Mayo Clinic Laboratories, Mayo Clinic); PubMed 23819767 (cited by Mayo Clinic Laboratories, Mayo Clinic); PubMed 25159915 (cited by Mayo Clinic Laboratories, Mayo Clinic); PubMed 32864553 (cited by Mayo Clinic Laboratories, Mayo Clinic).

NM_000552.5(VWF):c.4000C>T (p.Arg1334Trp)

Gene: VWF (von Willebrand factor; minus strand). Cytogenetic location: 12p13.31.
Variant type: single nucleotide variant.
Coding change: c.4000C>T on transcript NM_000552.5 (MANE Select); coding-DNA position 4000, C replaced by T.
Protein change: p.Arg1334Trp; replaces arginine 1334 with tryptophan.
Molecular consequence: missense variant.
Genome position (GRCh38, 1-based): chr12:6,019,418, G>A on the plus strand (C>T on the coding strand, the complement: VWF is on the minus strand). VCF-style: chr12-6019418-G-A. GRCh37 (hg19) VCF-style: chr12-6128584-G-A.
Other names: p.Arg1334Trp; NM_000552.5(VWF):c.4000C>T; c.4000C>T (NM_000552.4); short protein forms R1334W.
Identifiers: ClinVar variation 619747 (VCV000619747.6), dbSNP rs746810319, ClinGen allele CA6402628.